The following is an entry in ClinVar:

ClinVar aggregate classification (germline): Conflicting classifications of pathogenicity. Review status: criteria provided, conflicting classifications (1 of 4 stars). 9 submissions from 8 submitters: Uncertain significance (2); Benign (2); Likely benign (3). 2 of the submissions do not count toward it. Last evaluated 2025-09-10.

Conditions:
Emery-Dreifuss muscular dystrophy 4, autosomal dominant (EDMD4). Also called: EMERY-DREIFUSS MUSCULAR DYSTROPHY 4 WITH VARIABLE FEATURES. Identifiers: Orphanet 261, MedGen C2751807, MONDO:0013071, OMIM 612998.
Autosomal recessive ataxia, Beauce type. Also called: SYNE1 Deficiency; SYNE1-Related Autosomal Recessive Cerebellar Ataxia; ATAXIA, RECESSIVE, OF BEAUCE; Spinocerebellar ataxia, autosomal recessive 8. Identifiers: Orphanet 88644, MedGen C1853116, MONDO:0012549, OMIM 610743.

Allele frequency attached by ClinVar (database versions not stated): gnomAD exomes 0.00027 and 0.00058; TOPMed 0.00032; gnomAD 0.00035 and 0.00036; ESP Exome Variant Server 0.00038; ExAC 0.00053.
gnomAD v4.1: 486 of 1,613,572 alleles (0.03%); highest among the groups gnomAD compares: Middle Eastern, 0.16%; 1 homozygote.

Submissions (9):

Labcorp Genetics (formerly Invitae), Labcorp
Classification: Benign for Emery-Dreifuss muscular dystrophy 4, autosomal dominant; Autosomal recessive ataxia, Beauce type. Last evaluated: 2025-09-10. Review status: criteria provided, single submitter. Criteria: Invitae Variant Classification Sherloc (09022015). Collection method: clinical testing. Allele origin: germline.

Blueprint Genetics
Classification: Likely benign. Last evaluated: 2024-10-18. Review status: criteria provided, single submitter. Criteria: ACMG Guidelines, 2015. Collection method: clinical testing. Allele origin: germline.

CeGaT Center for Human Genetics Tuebingen
Classification: Likely benign. Last evaluated: 2022-07-01. Review status: criteria provided, single submitter. Criteria: CeGaT Center For Human Genetics Tuebingen Variant Classification Criteria Version 2. Collection method: clinical testing. Allele origin: germline. Affected: yes. Observed: 3 variant alleles.
Comment: SYNE1: BP4

GeneDx
Classification: Likely benign. Last evaluated: 2019-03-20. Review status: criteria provided, single submitter. Criteria: GeneDx Variant Classification Process June 2021. Collection method: clinical testing. Allele origin: germline. Affected: yes.

Illumina Laboratory Services, Illumina
Classification: Uncertain significance for Autosomal recessive ataxia, Beauce type. Last evaluated: 2018-01-12. Review status: criteria provided, single submitter. Criteria: ICSL Variant Classification Criteria 13 December 2019. Collection method: clinical testing. Allele origin: germline.

Illumina Laboratory Services, Illumina
Classification: Benign for Emery-Dreifuss muscular dystrophy 4, autosomal dominant. Last evaluated: 2018-01-12. Review status: criteria provided, single submitter. Criteria: ICSL Variant Classification Criteria 13 December 2019. Collection method: clinical testing. Allele origin: germline.
Comment: This variant was observed in the ICSL laboratory as part of a predisposition screen in an ostensibly healthy population. It had not been previously curated by ICSL or reported in the Human Gene Mutation Database (HGMD: prior to June 1st, 2018), and was therefore a candidate for classification through an automated scoring system. Utilizing variant allele frequency, disease prevalence and penetrance estimates, and inheritance mode, an automated score was calculated to assess if this variant is too frequent to cause the disease. Based on the score and internal cut-off values, a variant classified as benign is not then subjected to further curation. The score for this variant resulted in a classification of benign for this disease.

Eurofins Ntd Llc (ga)
Classification: Uncertain significance. Last evaluated: 2016-06-09. Review status: criteria provided, single submitter. Criteria: EGL Classification Definitions 2015. Collection method: clinical testing. Allele origin: germline. Observed: 4 variant alleles, 4 heterozygotes.

Genome Diagnostics Laboratory, University Medical Center Utrecht
Classification: Likely benign. Review status: no assertion criteria provided. Collection method: clinical testing. Allele origin: germline. Affected: yes. Study: VKGL Data-share Consensus. Not counted in ClinVar's aggregate classification.

Laboratory of Diagnostic Genome Analysis, Leiden University Medical Center (LUMC)
Classification: Likely benign. Review status: no assertion criteria provided. Collection method: clinical testing. Allele origin: germline. Affected: yes. Study: VKGL Data-share Consensus. Not counted in ClinVar's aggregate classification.

NM_182961.4(SYNE1):c.15657+5T>A

Gene: SYNE1 (spectrin repeat containing nuclear envelope protein 1; minus strand). Cytogenetic location: 6q25.2.
Variant type: single nucleotide variant.
Coding change: c.15657+5T>A on transcript NM_182961.4 (MANE Select); 5 bases into the intron after coding-DNA position 15657, T replaced by A.
Molecular consequence: intron variant.
Genome position (GRCh38, 1-based): chr6:152,325,079, A>T on the plus strand (T>A on the coding strand, the complement: SYNE1 is on the minus strand). VCF-style: chr6-152325079-A-T. GRCh37 (hg19) VCF-style: chr6-152646214-A-T.
Other names: c.15444+5T>A (NM_033071.5).
Identifiers: ClinVar variation 288636 (VCV000288636.86), dbSNP rs199779021, ClinGen allele CA4055730.
Genomic context (GRCh38, chr6:152,325,079, plus strand): 5'-TGTGTTTCAAAATACATTATAATTAGTGAGGAAAGAAAGGTGAGCCCATGGACAGTGGAA[A>T]CTACCTTGTTGTTAAAGCCCGTCCACTCATCCACTGCATCTTCCAGGATCTTCTCCTGGT-3'